The following is an entry in ClinVar:

NM_006231.4(POLE):c.423+6T>C

Gene: POLE (DNA polymerase epsilon, catalytic subunit; minus strand). Cytogenetic location: 12q24.33.
Variant type: single nucleotide variant.
Coding change: c.423+6T>C on transcript NM_006231.4 (MANE Select); 6 bases into the intron after coding-DNA position 423, T replaced by C.
Molecular consequence: intron variant.
Genome position (GRCh38, 1-based): chr12:132,679,948, A>G on the plus strand (T>C on the coding strand, the complement: POLE is on the minus strand). VCF-style: chr12-132679948-A-G. GRCh37 (hg19) VCF-style: chr12-133256534-A-G.
Identifiers: ClinVar variation 2044620 (VCV002044620.4), dbSNP rs1410434100, ClinGen allele CA2580086063.
Genomic context (GRCh38, chr12:132,679,948, plus strand): 5'-CCCACCTGCCAGGAACAATGTAGACTCTGGCCTCATTTACCCCTGGAAAGTCTGGGTGAT[A>G]CTCACCAAGTCCAGATCCTCTTTGGGGACAGTCTCCACTTTTGCAATTTTGCCCTGAAAC-3'

ClinVar aggregate classification (germline): Uncertain significance (1 of 4 stars; one submission).

Submission:

Labcorp Genetics (formerly Invitae), Labcorp
Classification: Uncertain significance. Last evaluated: 2021-12-17. Review status: criteria provided, single submitter. Criteria: Invitae Variant Classification Sherloc (09022015). Collection method: clinical testing. Allele origin: germline.
Comment: This sequence change falls in intron 5 of the POLE gene. It does not directly change the encoded amino acid sequence of the POLE protein. It affects a nucleotide within the consensus splice site. This variant is not present in population databases (gnomAD no frequency). This variant has not been reported in the literature in individuals affected with POLE-related conditions. Variants that disrupt the consensus splice site are a relatively common cause of aberrant splicing (PMID: 17576681, 9536098). Algorithms developed to predict the effect of sequence changes on RNA splicing suggest that this variant may disrupt the consensus splice site. In summary, the available evidence is currently insufficient to determine the role of this variant in disease. Therefore, it has been classified as a Variant of Uncertain Significance.

Literature cited by the submitters: PubMed 17576681; PubMed 9536098.